The following is an entry in ClinVar:

ClinVar aggregate classification (germline): Uncertain significance (1 of 4 stars; one submission).

Allele frequency attached by ClinVar (database versions not stated): gnomAD exomes below 0.00001 and 0.00001; ExAC 0.00001.
gnomAD v4.1: 3 of 1,569,754 alleles (0.00019%); highest among the groups gnomAD compares: East Asian, 0.0023%; no homozygotes.

Submission:

Labcorp Genetics (formerly Invitae), Labcorp
Classification: Uncertain significance. Last evaluated: 2022-07-19. Review status: criteria provided, single submitter. Criteria: Invitae Variant Classification Sherloc (09022015). Collection method: clinical testing. Allele origin: germline.
Comment: ClinVar contains an entry for this variant (Variation ID: 1416799). In summary, the available evidence is currently insufficient to determine the role of this variant in disease. Therefore, it has been classified as a Variant of Uncertain Significance. Algorithms developed to predict the effect of missense changes on protein structure and function are either unavailable or do not agree on the potential impact of this missense change (SIFT: "Deleterious"; PolyPhen-2: "Probably Damaging"; Align-GVGD: "Class C0"). This variant has not been reported in the literature in individuals affected with SFRP4-related conditions. This variant is present in population databases (rs751834775, gnomAD 0.003%). This sequence change replaces leucine, which is neutral and non-polar, with phenylalanine, which is neutral and non-polar, at codon 267 of the SFRP4 protein (p.Leu267Phe).

NM_003014.4(SFRP4):c.799C>T (p.Leu267Phe)

Gene: SFRP4 (secreted frizzled related protein 4; minus strand). Cytogenetic location: 7p14.1.
Variant type: single nucleotide variant.
Coding change: c.799C>T on transcript NM_003014.4 (MANE Select); coding-DNA position 799, C replaced by T.
Protein change: p.Leu267Phe; replaces leucine 267 with phenylalanine.
Molecular consequence: missense variant.
Genome position (GRCh38, 1-based): chr7:37,909,673, G>A on the plus strand (C>T on the coding strand, the complement: SFRP4 is on the minus strand). VCF-style: chr7-37909673-G-A. GRCh37 (hg19) VCF-style: chr7-37949275-G-A.
Other names: short protein forms L267F.
Identifiers: ClinVar variation 1416799 (VCV001416799.6), dbSNP rs751834775, ClinGen allele CA4222714.